The following is an entry in ClinVar:

NM_000038.6(APC):c.6429T>C (p.Ser2143=)

Gene: APC (APC regulator of Wnt signaling pathway; plus strand). Cytogenetic location: 5q22.2.
Variant type: single nucleotide variant.
Coding change: c.6429T>C on transcript NM_000038.6 (MANE Select); coding-DNA position 6429, T replaced by C.
Protein change: p.Ser2143=; no amino-acid change (serine 2143 retained).
Molecular consequence: synonymous variant. On other transcripts: non-coding transcript variant (2).
Genome position (GRCh38, 1-based): chr5:112,842,023, T>C. VCF-style: chr5-112842023-T-C. GRCh37 (hg19) VCF-style: chr5-112177720-T-C.
Other names: c.6429T>C, p.Ser2143= (NM_001127510.3, NM_001354895.2, NM_001407450.1); c.6375T>C, p.Ser2125= (NM_001127511.3); c.6483T>C, p.Ser2161= (NM_001354896.2, NM_001407447.1, NM_001407448.1 and 1 more transcripts); c.6459T>C, p.Ser2153= (NM_001354897.2); c.6354T>C, p.Ser2118= (NM_001354898.2); c.6345T>C, p.Ser2115= (NM_001354899.2); c.6306T>C, p.Ser2102= (NM_001354900.2); c.6252T>C, p.Ser2084= (NM_001354901.2, NM_001407453.1); and 11 more.
Identifiers: ClinVar variation 3881702 (VCV003881702.9).

ClinVar aggregate classification (germline): Likely benign. Review status: criteria provided, multiple submitters, no conflicts (2 of 4 stars). 2 submissions from 2 submitters: Likely benign (2). Last evaluated 2025-08-01.

Conditions:
Hereditary cancer-predisposing syndrome. Also called: Neoplastic Syndromes, Hereditary; Tumor predisposition; Hereditary Cancer Syndrome; Hereditary neoplastic syndrome. Identifiers: Orphanet 140162, MedGen C0027672, MeSH D009386, MONDO:0015356.

Submissions (2):

CeGaT Center for Human Genetics Tuebingen
Classification: Likely benign. Last evaluated: 2025-08-01. Review status: criteria provided, single submitter. Criteria: CeGaT Center For Human Genetics Tuebingen Variant Classification Criteria Version 2. Collection method: clinical testing. Allele origin: germline. Affected: yes. Observed: 1 variant allele.
Comment: APC: PM2:Supporting, BP4, BP7

Ambry Genetics
Classification: Likely benign for Hereditary cancer-predisposing syndrome. Last evaluated: 2025-01-10. Review status: criteria provided, single submitter. Criteria: Ambry Variant Classification Scheme 2023. Collection method: clinical testing. Allele origin: germline.